The following is an entry in ClinVar:

NM_017951.5(SMPD4):c.2017C>T (p.Arg673Trp)

Gene: SMPD4 (sphingomyelin phosphodiesterase 4; minus strand). Cytogenetic location: 2q21.1.
Variant type: single nucleotide variant.
Coding change: c.2017C>T on transcript NM_017951.5 (MANE Select); coding-DNA position 2017, C replaced by T.
Protein change: p.Arg673Trp; replaces arginine 673 with tryptophan.
Molecular consequence: missense variant. On other transcripts: non-coding transcript variant (2).
Genome position (GRCh38, 1-based): chr2:130,153,327, G>A on the plus strand (C>T on the coding strand, the complement: SMPD4 is on the minus strand). VCF-style: chr2-130153327-G-A. GRCh37 (hg19) VCF-style: chr2-130910900-G-A.
Other names: c.1828C>T, p.Arg610Trp (NM_001171083.2); c.2047C>T, p.Arg683Trp (NM_017751.4); short protein forms R610W, R673W, R683W.
Identifiers: ClinVar variation 2383181 (VCV002383181.2), dbSNP rs750972713, ClinGen allele CA1869558.

ClinVar aggregate classification (germline): Uncertain significance (1 of 4 stars; one submission).

Conditions:
Inborn genetic diseases. Identifiers: MedGen C0950123, MeSH D030342.

Allele frequency attached by ClinVar (database versions not stated): gnomAD 0.00002; gnomAD exomes 0.00003; TOPMed 0.00003; ExAC 0.00007.

Submission:

Ambry Genetics
Classification: Uncertain significance for Inborn genetic diseases. Last evaluated: 2021-12-17. Review status: criteria provided, single submitter. Criteria: Ambry Variant Classification Scheme 2023. Collection method: clinical testing. Allele origin: germline.
Comment: The c.2134C>T (p.R712W) alteration is located in exon 18 (coding exon 18) of the SMPD4 gene. This alteration results from a C to T substitution at nucleotide position 2134, causing the arginine (R) at amino acid position 712 to be replaced by a tryptophan (W). The in silico prediction for the p.R712W alteration is inconclusive. Based on insufficient or conflicting evidence, the clinical significance of this alteration remains unclear.